The following is an entry in ClinVar:

NM_006516.4(SLC2A1):c.982G>T (p.Val328Leu)

Gene: SLC2A1 (solute carrier family 2 member 1; minus strand). Cytogenetic location: 1p34.2.
Variant type: single nucleotide variant.
Coding change: c.982G>T on transcript NM_006516.4 (MANE Select); coding-DNA position 982, G replaced by T.
Protein change: p.Val328Leu; replaces valine 328 with leucine.
Molecular consequence: missense variant.
Genome position (GRCh38, 1-based): chr1:42,929,024, C>A on the plus strand (G>T on the coding strand, the complement: SLC2A1 is on the minus strand). VCF-style: chr1-42929024-C-A. GRCh37 (hg19) VCF-style: chr1-43394695-C-A.
Other names: p.V328L:GTG>TTG; short protein forms V328L.
Identifiers: ClinVar variation 207203 (VCV000207203.2), dbSNP rs796053255, ClinGen allele CA318451.
Genomic context (GRCh38, chr1:42,929,024, plus strand): 5'-CACAACCCGCCATGCCAGCGAGGCCTATGAGGTGCAGGGTCCGCCGGCCTGCTCGCTCCA[C>A]CACAAACAGCTGTGGGCAGAGACAGTGTCAGTGCCACCCCTGCCTAGTGCCCTTCTGAAC-3'
Protein context (NP_006507.2, residues 318-338): TAFTVVSLFV[Val328Leu]ERAGRRTLHL

ClinVar aggregate classification (germline): Likely pathogenic (1 of 4 stars; one submission).

Submission:

GeneDx
Classification: Likely pathogenic. Last evaluated: 2014-12-03. Review status: criteria provided, single submitter. Criteria: GeneDx Variant Classification (06012015). Collection method: clinical testing. Allele origin: germline. Affected: yes.
Comment: p.Val328Leu (GTG>TTG): c.982 G>T in exon 8 of the SLC2A1 gene (NM_006516.2)A variant of unknown significance has been identified in the SLC2A1 gene. The V328L variant has not been published as a mutation, nor has it been reported as a benign polymorphism to our knowledge. It was not observed in approximately 6,500 individuals of European and African American ancestry in the NHLBI Exome Sequencing Project, indicating it is not a common benign variant in these populations. This substitution alters a highly conserved position in the eighth transmembrane domain of the protein. Missense mutations in nearby residues (S324L, N317T) have been reported in association with glucose transporter type 1 deficiency syndrome (Glut1-DS), supporting the functional importance of this region of the protein. However, the V328L variant is a conservative amino acid substitution, which is not likely to impact secondary protein structure as these residues share similar properties. In silico analysis is inconsistent in its predictions as to whether or not the variant is damaging to the protein structure/function. This variant has been observed de novo without verified parentage. The variant is found in EPILEPSY panel(s).